The following is an entry in ClinVar:

NM_014362.4(HIBCH):c.438+9A>T

Gene: HIBCH (3-hydroxyisobutyryl-CoA hydrolase; minus strand). Cytogenetic location: 2q32.2.
Variant type: single nucleotide variant.
Coding change: c.438+9A>T on transcript NM_014362.4 (MANE Select); 9 bases into the intron after coding-DNA position 438, A replaced by T.
Molecular consequence: intron variant.
Genome position (GRCh38, 1-based): chr2:190,287,577, T>A on the plus strand (A>T on the coding strand, the complement: HIBCH is on the minus strand). VCF-style: chr2-190287577-T-A. GRCh37 (hg19) VCF-style: chr2-191152303-T-A.
Other names: c.438+9A>T (NM_198047.3).
Identifiers: ClinVar variation 386080 (VCV000386080.16), dbSNP rs201813923, ClinGen allele CA2027646.

ClinVar aggregate classification (germline): Benign/Likely benign. Review status: criteria provided, multiple submitters, no conflicts (2 of 4 stars). 4 submissions from 4 submitters: Benign (1); Likely benign (2). 1 of the submissions does not count toward it. Last evaluated 2025-11-12.

Conditions:
HIBCH-related disorder. Also called: HIBCH-related condition.
3-hydroxyisobutyryl-CoA hydrolase deficiency. Also called: HIBCH DEFICIENCY; Reduced circulating 3-hydroxyisobutyryl-CoA hydrolase activity; Deficiency of 3-hydroxyisobutyryl CoA hydrolase; METHACRYLIC ACID TOXICITY; METHACRYLIC ACIDURIA; VALINE METABOLIC DEFECT. Identifiers: Orphanet 88639, MedGen C0342738, MONDO:0009603, OMIM 250620, HP:6000215.

Allele frequency attached by ClinVar (database versions not stated): gnomAD 0.00078 and 0.00104; TOPMed 0.00083; ESP Exome Variant Server 0.00085; gnomAD exomes 0.00131 and 0.00174; 1000 Genomes Project 30x 0.00187; ExAC 0.00189; 1000 Genomes Project 0.00220.
gnomAD v4.1: 2,038 of 1,585,968 alleles (0.13%); highest among the groups gnomAD compares: South Asian, 0.78%; 7 homozygotes.

Submissions (4):

Labcorp Genetics (formerly Invitae), Labcorp
Classification: Benign for 3-hydroxyisobutyryl-CoA hydrolase deficiency. Last evaluated: 2025-11-12. Review status: criteria provided, single submitter. Criteria: Invitae Variant Classification Sherloc (09022015). Collection method: clinical testing. Allele origin: germline.

Blueprint Genetics
Classification: Likely benign. Last evaluated: 2024-11-26. Review status: criteria provided, single submitter. Criteria: ACMG Guidelines, 2015. Collection method: clinical testing. Allele origin: germline.

GeneDx
Classification: Likely benign. Last evaluated: 2018-04-09. Review status: criteria provided, single submitter. Criteria: GeneDx Variant Classification Process June 2021. Collection method: clinical testing. Allele origin: germline. Affected: yes.

PreventionGenetics, part of Exact Sciences
Classification: Benign for HIBCH-related condition. Last evaluated: 2024-08-07. Review status: no assertion criteria provided. Collection method: clinical testing. Allele origin: germline. Not counted in ClinVar's aggregate classification.
Comment: This variant is classified as benign based on ACMG/AMP sequence variant interpretation guidelines (Richards et al. 2015 PMID: 25741868, with internal and published modifications).